The following is an entry in ClinVar:

NM_144628.4(TBC1D20):c.411C>G (p.Asn137Lys)

Gene: TBC1D20 (TBC1 domain family member 20; minus strand). Cytogenetic location: 20p13.
Variant type: single nucleotide variant.
Coding change: c.411C>G on transcript NM_144628.4 (MANE Select); coding-DNA position 411, C replaced by G.
Protein change: p.Asn137Lys; replaces asparagine 137 with lysine.
Molecular consequence: missense variant. On other transcripts: non-coding transcript variant (1).
Genome position (GRCh38, 1-based): chr20:441,970, G>C on the plus strand (C>G on the coding strand, the complement: TBC1D20 is on the minus strand). VCF-style: chr20-441970-G-C. GRCh37 (hg19) VCF-style: chr20-422614-G-C.
Other names: short protein forms N137K.
Identifiers: ClinVar variation 1491506 (VCV001491506.8), dbSNP rs2017240457, ClinGen allele CA407947352.
Genomic context (GRCh38, chr20:441,970, plus strand): 5'-TACCACCAGCAGAAATGTGACCACAATGTCATGGTAGCCCTGGTAGTAGTGCAGCTGAGG[G>C]TTGCGCTCCAAGATGAGGAGGATGATGTCAATCAGTTCTTCCTGGAGCCCTTCTCTCTGT-3'
Protein context (NP_653229.1, residues 127-147): IDIILLILER[Asn137Lys]PQLHYYQGYH

ClinVar aggregate classification (germline): Uncertain significance (1 of 4 stars; one submission).

Submission:

Labcorp Genetics (formerly Invitae), Labcorp
Classification: Uncertain significance. Last evaluated: 2021-06-24. Review status: criteria provided, single submitter. Criteria: Invitae Variant Classification Sherloc (09022015). Collection method: clinical testing. Allele origin: germline.
Comment: In summary, the available evidence is currently insufficient to determine the role of this variant in disease. Therefore, it has been classified as a Variant of Uncertain Significance. Algorithms developed to predict the effect of missense changes on protein structure and function are either unavailable or do not agree on the potential impact of this missense change (SIFT: "Tolerated"; PolyPhen-2: "Possibly Damaging"; Align-GVGD: "Class C0"). This variant has not been reported in the literature in individuals with TBC1D20-related conditions. This variant is not present in population databases (ExAC no frequency). This sequence change replaces asparagine with lysine at codon 137 of the TBC1D20 protein (p.Asn137Lys). The asparagine residue is moderately conserved and there is a moderate physicochemical difference between asparagine and lysine.